The following is an entry in ClinVar:

NM_001174150.2(ARL13B):c.968C>T (p.Ala323Val)

Gene: ARL13B (ARF like GTPase 13B; plus strand). Cytogenetic location: 3q11.2.
Variant type: single nucleotide variant.
Coding change: c.968C>T on transcript NM_001174150.2 (MANE Select); coding-DNA position 968, C replaced by T.
Protein change: p.Ala323Val; replaces alanine 323 with valine.
Molecular consequence: missense variant. On other transcripts: non-coding transcript variant (2).
Genome position (GRCh38, 1-based): chr3:94,043,184, C>T. VCF-style: chr3-94043184-C-T. GRCh37 (hg19) VCF-style: chr3-93762028-C-T.
Other names: c.659C>T, p.Ala220Val (NM_001174151.2); c.923C>T, p.Ala308Val (NM_001321328.2); c.647C>T, p.Ala216Val (NM_144996.4); c.968C>T, p.Ala323Val (NM_182896.3); short protein forms A220V, A308V, A323V, A216V.
Identifiers: ClinVar variation 1034417 (VCV001034417.5), dbSNP rs2076893818, ClinGen allele CA353679195.

ClinVar aggregate classification (germline): Uncertain significance. Review status: criteria provided, multiple submitters, no conflicts (2 of 4 stars). 2 submissions from 2 submitters: Uncertain significance (2). Last evaluated 2022-07-05.

Conditions:
Joubert syndrome 8 (JBTS8). Identifiers: Orphanet 475, MedGen C2676771, MONDO:0012855, OMIM 612291.

Submissions (2):

Labcorp Genetics (formerly Invitae), Labcorp
Classification: Uncertain significance for Joubert syndrome 8. Last evaluated: 2022-07-05. Review status: criteria provided, single submitter. Criteria: Invitae Variant Classification Sherloc (09022015). Collection method: clinical testing. Allele origin: germline.
Comment: This variant has not been reported in the literature in individuals affected with ARL13B-related conditions. In summary, the available evidence is currently insufficient to determine the role of this variant in disease. Therefore, it has been classified as a Variant of Uncertain Significance. Algorithms developed to predict the effect of missense changes on protein structure and function output the following: SIFT: "Tolerated"; PolyPhen-2: "Benign"; Align-GVGD: "Class C0". The valine amino acid residue is found in multiple mammalian species, which suggests that this missense change does not adversely affect protein function. ClinVar contains an entry for this variant (Variation ID: 1034417). This variant is not present in population databases (gnomAD no frequency). This sequence change replaces alanine, which is neutral and non-polar, with valine, which is neutral and non-polar, at codon 323 of the ARL13B protein (p.Ala323Val).

Baylor Genetics
Classification: Uncertain significance for Joubert syndrome 8. Last evaluated: 2018-09-26. Review status: criteria provided, single submitter. Criteria: ACMG Guidelines, 2015. Collection method: clinical testing. Allele origin: paternal. Affected: yes.
Comment: This variant was determined to be of uncertain significance according to ACMG Guidelines, 2015 [PMID:25741868].